The following is an entry in ClinVar:

ClinVar aggregate classification (germline): Uncertain significance (1 of 4 stars; one submission).

Allele frequency attached by ClinVar (database versions not stated): gnomAD exomes below 0.00001.
gnomAD v4.1: 1 of 1,607,942 alleles (0.000062%); highest among the groups gnomAD compares: Non-Finnish European, 0.000085%; no homozygotes.

Submission:

Labcorp Genetics (formerly Invitae), Labcorp
Classification: Uncertain significance. Last evaluated: 2022-11-02. Review status: criteria provided, single submitter. Criteria: Invitae Variant Classification Sherloc (09022015). Collection method: clinical testing. Allele origin: germline.
Comment: In summary, the available evidence is currently insufficient to determine the role of this variant in disease. Therefore, it has been classified as a Variant of Uncertain Significance. Variants that disrupt the consensus splice site are a relatively common cause of aberrant splicing (PMID: 17576681, 9536098). Algorithms developed to predict the effect of sequence changes on RNA splicing suggest that this variant may disrupt the consensus splice site. This variant has not been reported in the literature in individuals affected with ABCD3-related conditions. This variant is present in population databases (no rsID available, gnomAD 0.0009%). This sequence change falls in intron 19 of the ABCD3 gene. It does not directly change the encoded amino acid sequence of the ABCD3 protein. It affects a nucleotide within the consensus splice site.

Literature cited by the submitters: PubMed 17576681; PubMed 9536098.

NM_002858.4(ABCD3):c.1620+4A>G

Gene: ABCD3 (ATP binding cassette subfamily D member 3; plus strand). Cytogenetic location: 1p21.3.
Variant type: single nucleotide variant.
Coding change: c.1620+4A>G on transcript NM_002858.4 (MANE Select); 4 bases into the intron after coding-DNA position 1620, A replaced by G.
Molecular consequence: intron variant.
Genome position (GRCh38, 1-based): chr1:94,499,038, A>G. VCF-style: chr1-94499038-A-G. GRCh37 (hg19) VCF-style: chr1-94964594-A-G.
Identifiers: ClinVar variation 2031408 (VCV002031408.4), dbSNP rs1181346162, ClinGen allele CA524398109.